The following is an entry in ClinVar:

ClinVar aggregate classification (germline): Conflicting classifications of pathogenicity. Review status: criteria provided, conflicting classifications (1 of 4 stars). 3 submissions from 3 submitters: Uncertain significance (2); Likely benign (1). Last evaluated 2026-01-06.

Conditions:
Cardiovascular phenotype. Identifiers: MedGen CN230736.
Myofibrillar myopathy 4. Also called: Zaspopathy (type). Identifiers: Orphanet 98912, MedGen C4721886, MONDO:0012277, OMIM 609452.

Allele frequency attached by ClinVar (database versions not stated): gnomAD exomes below 0.00001 and 0.00002; ExAC 0.00002; gnomAD 0.00002 and 0.00003; TOPMed 0.00006; ESP Exome Variant Server 0.00008.
gnomAD v4.1: 8 of 1,611,130 alleles (0.0005%); highest among the groups gnomAD compares: African/African-American, 0.011%; no homozygotes.

Submissions (3):

Labcorp Genetics (formerly Invitae), Labcorp
Classification: Uncertain significance for Myofibrillar myopathy 4. Last evaluated: 2026-01-06. Review status: criteria provided, single submitter. Criteria: Invitae Variant Classification Sherloc (09022015). Collection method: clinical testing. Allele origin: germline.
Comment: The LDB3 gene has multiple clinically relevant transcripts. This variant occurs in alternate transcript NM_007078.3, and corresponds to NM_001080116.1:c.*16977C>A in the primary transcript. This sequence change replaces serine, which is neutral and polar, with tyrosine, which is neutral and polar, at codon 419 of the LDB3 protein (p.Ser419Tyr). This variant is present in population databases (rs368888118, gnomAD 0.03%). This variant has not been reported in the literature in individuals affected with LDB3-related conditions. Experimental studies and prediction algorithms are not available or were not evaluated, and the functional significance of this variant is currently unknown. In summary, the available evidence is currently insufficient to determine the role of this variant in disease. Therefore, it has been classified as a Variant of Uncertain Significance.

Ambry Genetics
Classification: Uncertain significance for Cardiovascular phenotype. Last evaluated: 2024-01-05. Review status: criteria provided, single submitter. Criteria: Ambry Variant Classification Scheme 2023. Collection method: clinical testing. Allele origin: germline.
Comment: The p.S419Y variant (also known as c.1256C>A), located in coding exon 9 of the LDB3 gene, results from a C to A substitution at nucleotide position 1256. The serine at codon 419 is replaced by tyrosine, an amino acid with dissimilar properties. This amino acid position is well conserved in available vertebrate species. In addition, this alteration is predicted to be tolerated by in silico analysis. Since supporting evidence is limited at this time, the clinical significance of this alteration remains unclear.

GeneDx
Classification: Likely benign. Last evaluated: 2021-05-13. Review status: criteria provided, single submitter. Criteria: GeneDx Variant Classification Process June 2021. Collection method: clinical testing. Allele origin: germline. Affected: yes.

NM_007078.3(LDB3):c.1256C>A (p.Ser419Tyr)

Gene: LDB3 (LIM domain binding 3; plus strand). Cytogenetic location: 10q23.2.
Variant type: single nucleotide variant.
Coding change: c.1256C>A on transcript NM_007078.3 (MANE Select); coding-DNA position 1256, C replaced by A.
Protein change: p.Ser419Tyr; replaces serine 419 with tyrosine.
Molecular consequence: missense variant.
Genome position (GRCh38, 1-based): chr10:86,716,351, C>A. VCF-style: chr10-86716351-C-A. GRCh37 (hg19) VCF-style: chr10-88476108-C-A.
Other names: p.S419Y:TCC>TAC; c.926C>A, p.Ser309Tyr (NM_001080114.2); c.1271C>A, p.Ser424Tyr (NM_001171610.2); c.1067C>A, p.Ser356Tyr (NM_001368064.1, NM_001368065.1); c.1115C>A, p.Ser372Tyr (NM_001368066.1); c.1256C>A (LRG_385t1); short protein forms S419Y, S309Y, S372Y, S424Y, S356Y.
Identifiers: ClinVar variation 201848 (VCV000201848.13), dbSNP rs368888118, ClinGen allele CA308630.